The following is an entry in ClinVar:

NM_001267550.2(TTN):c.669+2T>C

Gene: TTN (titin; minus strand). Cytogenetic location: 2q31.2.
Variant type: single nucleotide variant.
Coding change: c.669+2T>C on transcript NM_001267550.2 (MANE Select); the canonical splice donor site of the intron after coding-DNA position 669, T replaced by C.
Molecular consequence: splice donor variant.
Genome position (GRCh38, 1-based): chr2:178,799,823, A>G on the plus strand (T>C on the coding strand, the complement: TTN is on the minus strand). VCF-style: chr2-178799823-A-G. GRCh37 (hg19) VCF-style: chr2-179664550-A-G.
Other names: c.669+2T>C (NM_003319.4, NM_133437.4, NM_133432.3 and 3 more transcripts).
Identifiers: ClinVar variation 2030359 (VCV002030359.6), dbSNP rs2534322136, ClinGen allele CA349524621.
Genomic context (GRCh38, chr2:178,799,823, plus strand): 5'-GGAGGAATAGCTGGGGACGCAACAGCCTGAAAGGCTTGAAAACCAACAGTATAGAAAAAT[A>G]CCTTTTCAATTCGGGTTTGTCTTGATTCTGAGATCTGAGCAGTCGAAACAATTGTCTTTG-3'

ClinVar aggregate classification (germline): Pathogenic/Likely pathogenic. Review status: criteria provided, multiple submitters, no conflicts (2 of 4 stars). 2 submissions from 2 submitters: Pathogenic (1); Likely pathogenic (1). Last evaluated 2026-01-31.

Conditions:
Dilated cardiomyopathy 1G (CMD1G). Identifiers: Orphanet 154, MedGen C1858763, MONDO:0011400, OMIM 604145.
Autosomal recessive limb-girdle muscular dystrophy type 2J (LGMDR10). Also called: MUSCULAR DYSTROPHY, LIMB-GIRDLE, AUTOSOMAL RECESSIVE 10; Limb-girdle muscular dystrophy, type 2J. Identifiers: Orphanet 140922, MedGen C1837342, MONDO:0012127, OMIM 608807.

Submissions (2):

Labcorp Genetics (formerly Invitae), Labcorp
Classification: Likely pathogenic for Dilated cardiomyopathy 1G; Autosomal recessive limb-girdle muscular dystrophy type 2J. Last evaluated: 2026-01-31. Review status: criteria provided, single submitter. Criteria: Invitae Variant Classification Sherloc (09022015). Collection method: clinical testing. Allele origin: germline.
Comment: This sequence change affects a donor splice site in intron 5 of the TTN gene. It is expected to disrupt RNA splicing and likely results in a truncated or disrupted TTN protein. This variant is not present in population databases (gnomAD no frequency). Disruption of this splice site has been observed in individual(s) with clinical features of TTN-related conditions (PMID: 36761691). ClinVar contains an entry for this variant (Variation ID: 2030359). Algorithms developed to predict the effect of sequence changes on RNA splicing suggest that this variant may disrupt the consensus splice site. This variant is located in the Z band of TTN (PMID: 25589632). Truncating variants in this region have been reported in individuals affected with autosomal recessive centronuclear myopathy (PMID: 33449170, internal data). Truncating variants in this region have also been identified in individuals affected with autosomal dominant dilated cardiomyopathy and/or cardio-related conditions (PMID: 27869827, 32964742, internal data). In summary, the currently available evidence indicates that the variant is pathogenic, but additional data are needed to prove that conclusively. Therefore, this variant has been classified as Likely Pathogenic.

Juno Genomics, Hangzhou Juno Genomics, Inc
Classification: Pathogenic for Dilated cardiomyopathy 1G. Review status: criteria provided, single submitter. Criteria: ACMG Guidelines, 2015. Collection method: clinical testing. Allele origin: germline.
Comment: Absent from controls (or at extremely low frequency if recessive) in Genome Aggregation Database.;Null variant in a gene where loss of function (LOF) is a known mechanism of disease.;For recessive disorders, detected in trans with a pathogenic variant.

Literature cited by the submitters: PubMed 36761691 (cited by Labcorp Genetics (formerly Invitae), Labcorp); PubMed 25589632 (cited by Labcorp Genetics (formerly Invitae), Labcorp); PubMed 33449170 (cited by Labcorp Genetics (formerly Invitae), Labcorp); PubMed 27869827 (cited by Labcorp Genetics (formerly Invitae), Labcorp); PubMed 32964742 (cited by Labcorp Genetics (formerly Invitae), Labcorp).